The following is an entry in ClinVar:

ClinVar aggregate classification (germline): Conflicting classifications of pathogenicity. Review status: criteria provided, conflicting classifications (1 of 4 stars). 2 submissions from 2 submitters: Uncertain significance (1); Likely benign (1). Last evaluated 2025-11-20.

Conditions:
Inborn genetic diseases. Identifiers: MedGen C0950123, MeSH D030342.
Combined oxidative phosphorylation defect type 27. Also called: Combined oxidative phosphorylation deficiency 27. Identifiers: Orphanet 477774, MedGen C5567608, MONDO:0014728, OMIM 616672.

gnomAD v4.1: 21 of 1,572,178 alleles (0.0013%); highest among the groups gnomAD compares: South Asian, 0.021%; no homozygotes.

Submissions (2):

Ambry Genetics
Classification: Likely benign for Inborn genetic diseases. Last evaluated: 2025-11-20. Review status: criteria provided, single submitter. Criteria: Ambry Variant Classification Scheme 2023. Collection method: clinical testing. Allele origin: germline.

Labcorp Genetics (formerly Invitae), Labcorp
Classification: Uncertain significance for Combined oxidative phosphorylation defect type 27. Last evaluated: 2021-02-08. Review status: criteria provided, single submitter. Criteria: Invitae Variant Classification Sherloc (09022015). Collection method: clinical testing. Allele origin: germline.
Comment: This variant is present in population databases (rs374751888, ExAC 0.02%). This variant has not been reported in the literature in individuals with CARS2-related conditions. Algorithms developed to predict the effect of missense changes on protein structure and function output the following: SIFT: "Tolerated"; PolyPhen-2: "Benign"; Align-GVGD: "Class C0". The serine amino acid residue is found in multiple mammalian species, suggesting that this missense change does not adversely affect protein function. These predictions have not been confirmed by published functional studies and their clinical significance is uncertain. In summary, the available evidence is currently insufficient to determine the role of this variant in disease. Therefore, it has been classified as a Variant of Uncertain Significance. This sequence change replaces alanine with serine at codon 261 of the CARS2 protein (p.Ala261Ser). The alanine residue is moderately conserved and there is a moderate physicochemical difference between alanine and serine.

NM_024537.4(CARS2):c.781G>T (p.Ala261Ser)

Gene: CARS2 (cysteinyl-tRNA synthetase 2, mitochondrial; minus strand). Cytogenetic location: 13q34.
Variant type: single nucleotide variant.
Coding change: c.781G>T on transcript NM_024537.4 (MANE Select); coding-DNA position 781, G replaced by T.
Protein change: p.Ala261Ser; replaces alanine 261 with serine.
Molecular consequence: missense variant. On other transcripts: 5 prime UTR variant (1), non-coding transcript variant (2).
Genome position (GRCh38, 1-based): chr13:110,676,978, C>A on the plus strand (G>T on the coding strand, the complement: CARS2 is on the minus strand). VCF-style: chr13-110676978-C-A. GRCh37 (hg19) VCF-style: chr13-111329325-C-A.
Other names: c.-6G>T (NM_001352252.2); c.781G>T, p.Ala261Ser (NM_001352253.3); c.781G>T (NM_024537.2); short protein forms A261S.
Identifiers: ClinVar variation 1473024 (VCV001473024.8), dbSNP rs374751888, ClinGen allele CA7052082.